The following is an entry in ClinVar:

ClinVar aggregate classification (germline): Pathogenic (1 of 4 stars; one submission).

Conditions:
Familial thoracic aortic aneurysm and aortic dissection (TAAD). Also called: Thoracic aortic aneurysms and dissections. Identifiers: Orphanet 91387, MedGen C4707243, MONDO:0019625.

Submission:

Labcorp Genetics (formerly Invitae), Labcorp
Classification: Pathogenic for Familial thoracic aortic aneurysm and aortic dissection. Last evaluated: 2025-04-30. Review status: criteria provided, single submitter. Criteria: Invitae Variant Classification Sherloc (09022015). Collection method: clinical testing. Allele origin: germline.
Comment: This sequence change replaces serine, which is neutral and polar, with proline, which is neutral and non-polar, at codon 236 of the TGFBR1 protein (p.Ser236Pro). This variant is not present in population databases (gnomAD no frequency). This missense change has been observed in individual(s) with Loeys-Dietz syndrome (internal data). It has also been observed to segregate with disease in related individuals. ClinVar contains an entry for this variant (Variation ID: 2089288). Invitae Evidence Modeling of protein sequence and biophysical properties (such as structural, functional, and spatial information, amino acid conservation, physicochemical variation, residue mobility, and thermodynamic stability) indicates that this missense variant is expected to disrupt TGFBR1 protein function with a positive predictive value of 80%. For these reasons, this variant has been classified as Pathogenic.

NM_004612.4(TGFBR1):c.706T>C (p.Ser236Pro)

Gene: TGFBR1 (transforming growth factor beta receptor 1; plus strand). Cytogenetic location: 9q22.33.
Variant type: single nucleotide variant.
Coding change: c.706T>C on transcript NM_004612.4 (MANE Select); coding-DNA position 706, T replaced by C.
Protein change: p.Ser236Pro; replaces serine 236 with proline.
Molecular consequence: missense variant.
Genome position (GRCh38, 1-based): chr9:99,137,990, T>C. VCF-style: chr9-99137990-T-C. GRCh37 (hg19) VCF-style: chr9-101900272-T-C.
Other names: c.475T>C, p.Ser159Pro (NM_001130916.3); c.718T>C, p.Ser240Pro (NM_001306210.2, NM_001407416.1); c.706T>C, p.Ser236Pro (NM_001407417.1); c.511T>C, p.Ser171Pro (NM_001407418.1, NM_001407419.1, NM_001407420.1 and 1 more transcripts); c.499T>C, p.Ser167Pro (NM_001407423.1, NM_001407424.1, NM_001407425.1 and 8 more transcripts); c.460T>C, p.Ser154Pro (NM_001407436.1); c.229T>C, p.Ser77Pro (NM_001407438.1); short protein forms S154P, S171P, S240P, S167P, S77P, S236P, S159P.
Identifiers: ClinVar variation 2089288 (VCV002089288.4), dbSNP rs1554700634, ClinGen allele CA374229746.